The following is an entry in ClinVar:

NM_004656.4(BAP1):c.1206G>A (p.Glu402=)

Gene: BAP1 (BRCA1 associated deubiquitinase 1; minus strand). Cytogenetic location: 3p21.1.
Variant type: single nucleotide variant.
Coding change: c.1206G>A on transcript NM_004656.4 (MANE Select); coding-DNA position 1206, G replaced by A.
Protein change: p.Glu402=; no amino-acid change (glutamic acid 402 retained).
Molecular consequence: synonymous variant.
Genome position (GRCh38, 1-based): chr3:52,404,497, C>T on the plus strand (G>A on the coding strand, the complement: BAP1 is on the minus strand). VCF-style: chr3-52404497-C-T. GRCh37 (hg19) VCF-style: chr3-52438513-C-T.
Identifiers: ClinVar variation 1106708 (VCV001106708.8), dbSNP rs1284025796, ClinGen allele CA433773962.

ClinVar aggregate classification (germline): Benign/Likely benign. Review status: criteria provided, multiple submitters, no conflicts (2 of 4 stars). 2 submissions from 2 submitters: Benign (1); Likely benign (1). Last evaluated 2025-05-21.

Conditions:
BAP1-related tumor predisposition syndrome (TPDS1). Also called: BAP1 tumor predisposition syndrome; TUMOR PREDISPOSITION SYNDROME 1; Tumor susceptibility linked to germline BAP1 mutations; COMMON Syndrome. Identifiers: Orphanet 289539, MedGen C3280492, MONDO:0013692, OMIM 614327.

Allele frequency attached by ClinVar (database versions not stated): gnomAD exomes below 0.00001.
gnomAD v4.1: 3 of 1,614,138 alleles (0.00019%); highest among the groups gnomAD compares: East Asian, 0.0067%; no homozygotes.

Submissions (2):

Labcorp Genetics (formerly Invitae), Labcorp
Classification: Likely benign for BAP1-related tumor predisposition syndrome. Last evaluated: 2025-05-21. Review status: criteria provided, single submitter. Criteria: Invitae Variant Classification Sherloc (09022015). Collection method: clinical testing. Allele origin: germline.

Myriad Genetics, Inc.
Classification: Benign for BAP1-related tumor predisposition syndrome. Last evaluated: 2024-07-15. Review status: criteria provided, single submitter. Criteria: Myriad Autosomal Dominant, Autosomal Recessive and X-Linked Classification Criteria (2023). Collection method: clinical testing. Allele origin: unknown.
Comment: This variant is considered benign. This variant is a silent/synonymous amino acid change and it is not expected to impact splicing.